The following is an entry in ClinVar:

ClinVar aggregate classification (germline): Uncertain significance (1 of 4 stars; one submission).

Allele frequency attached by ClinVar (database versions not stated): gnomAD exomes below 0.00001; TOPMed below 0.00001.
gnomAD v4.1: 3 of 1,614,208 alleles (0.00019%); highest among the groups gnomAD compares: Non-Finnish European, 0.00025%; no homozygotes.

Submission:

Labcorp Genetics (formerly Invitae), Labcorp
Classification: Uncertain significance. Last evaluated: 2021-04-14. Review status: criteria provided, single submitter. Criteria: Invitae Variant Classification Sherloc (09022015). Collection method: clinical testing. Allele origin: germline.
Comment: In summary, the available evidence is currently insufficient to determine the role of this variant in disease. Therefore, it has been classified as a Variant of Uncertain Significance. Algorithms developed to predict the effect of missense changes on protein structure and function are either unavailable or do not agree on the potential impact of this missense change (SIFT: "Deleterious"; PolyPhen-2: "Probably Damaging"; Align-GVGD: "Class C0"). This variant has not been reported in the literature in individuals with CEP152-related conditions. This variant is not present in population databases (ExAC no frequency). This sequence change replaces glutamic acid with glycine at codon 706 of the CEP152 protein (p.Glu706Gly). The glutamic acid residue is moderately conserved and there is a moderate physicochemical difference between glutamic acid and glycine.

NM_001194998.2(CEP152):c.2117A>G (p.Glu706Gly)

Gene: CEP152 (centrosomal protein 152; minus strand). Cytogenetic location: 15q21.1.
Variant type: single nucleotide variant.
Coding change: c.2117A>G on transcript NM_001194998.2 (MANE Select); coding-DNA position 2117, A replaced by G.
Protein change: p.Glu706Gly; replaces glutamic acid 706 with glycine.
Molecular consequence: missense variant.
Genome position (GRCh38, 1-based): chr15:48,767,365, T>C on the plus strand (A>G on the coding strand, the complement: CEP152 is on the minus strand). VCF-style: chr15-48767365-T-C. GRCh37 (hg19) VCF-style: chr15-49059562-T-C.
Other names: c.2117A>G, p.Glu706Gly (NM_014985.4); short protein forms E706G.
Identifiers: ClinVar variation 1396763 (VCV001396763.8), dbSNP rs1895201538, ClinGen allele CA392348618.